The following is an entry in ClinVar:

NM_198252.3(GSN):c.1288C>T (p.Arg430Cys)

Gene: GSN (gelsolin; plus strand). Cytogenetic location: 9q33.2.
Variant type: single nucleotide variant.
Coding change: c.1288C>T on transcript NM_198252.3 (MANE Select); coding-DNA position 1288, C replaced by T.
Protein change: p.Arg430Cys; replaces arginine 430 with cysteine.
Molecular consequence: missense variant.
Genome position (GRCh38, 1-based): chr9:121,321,364, C>T. VCF-style: chr9-121321364-C-T. GRCh37 (hg19) VCF-style: chr9-124083642-C-T.
Other names: p.Arg481Cys; c.1441C>T, p.Arg481Cys (NM_000177.5); c.1288C>T, p.Arg430Cys (NM_001127662.2, NM_001127664.2, NM_001127665.2 and 10 more transcripts); c.1396C>T, p.Arg466Cys (NM_001127663.2); c.1321C>T, p.Arg441Cys (NM_001127666.2, NM_001127667.2, NM_001353071.2 and 13 more transcripts); c.1339C>T, p.Arg447Cys (NM_001258029.2); c.1312C>T, p.Arg438Cys (NM_001258030.2); c.1360C>T, p.Arg454Cys (NM_001353076.2); and 1 more; short protein forms R441C, R481C, R430C, R447C, R466C, R212C, R438C, R454C.
Identifiers: ClinVar variation 364814 (VCV000364814.55), dbSNP rs116185403, ClinGen allele CA5221203.

ClinVar aggregate classification (germline): Benign/Likely benign. Review status: criteria provided, multiple submitters, no conflicts (2 of 4 stars). 11 submissions from 11 submitters: Benign (4); Likely benign (5). 2 of the submissions do not count toward it. Last evaluated 2026-09-01.

Conditions:
GSN-related disorder. Also called: GSN-related condition.
Inborn genetic diseases. Identifiers: MedGen C0950123, MeSH D030342.
Finnish type amyloidosis. Also called: Lattice corneal dystrophy associated with familial systemic amyloidosis; Meretoja's syndrome; Lattice dystrophy of the cornea with hereditary generalized amyloidosis; Amyloidosis, familial, Finnish type; Meretoja type amyloidosis; Amyloidosis 5. Identifiers: Orphanet 85448, MedGen C1622345, MONDO:0007097, OMIM 105120.

Allele frequency attached by ClinVar (database versions not stated): 1000 Genomes Project 0.00160; 1000 Genomes Project 30x 0.00187; ExAC 0.00265; gnomAD exomes 0.00298 and 0.00516; ESP Exome Variant Server 0.00323; gnomAD 0.00348 and 0.00357; TOPMed 0.00375.
gnomAD v4.1: 8,101 of 1,613,984 alleles (0.5%); highest among the groups gnomAD compares: Non-Finnish European, 0.62%; 30 homozygotes.

Submissions (11):

CeGaT Center for Human Genetics Tuebingen
Classification: Likely benign. Last evaluated: 2026-09-01. Review status: criteria provided, single submitter. Criteria: CeGaT Center For Human Genetics Tuebingen Variant Classification Criteria Version 2. Collection method: clinical testing. Allele origin: germline. Affected: yes. Observed: 19 variant alleles.
Comment: GSN: BP4, BS2

PreventionGenetics, part of Exact Sciences
Classification: Benign for GSN-related condition. Last evaluated: 2026-06-23. Review status: criteria provided, single submitter. Criteria: ACMG Guidelines, 2015. Collection method: clinical testing. Allele origin: germline.
Comment: This variant is classified as benign based on ACMG/AMP sequence variant interpretation guidelines (Richards et al. 2015 PMID: 25741868, with internal and published modifications).

Labcorp Genetics (formerly Invitae), Labcorp
Classification: Benign. Last evaluated: 2026-01-26. Review status: criteria provided, single submitter. Criteria: Invitae Variant Classification Sherloc (09022015). Collection method: clinical testing. Allele origin: germline.

Blueprint Genetics
Classification: Likely benign. Last evaluated: 2024-11-20. Review status: criteria provided, single submitter. Criteria: ACMG Guidelines, 2015. Collection method: clinical testing. Allele origin: germline.

Ambry Genetics
Classification: Likely benign for Inborn genetic diseases. Last evaluated: 2023-09-28. Review status: criteria provided, single submitter. Criteria: Ambry Variant Classification Scheme 2023. Collection method: clinical testing. Allele origin: germline.

Genetic Services Laboratory, University of Chicago
Classification: Likely benign. Last evaluated: 2022-01-11. Review status: criteria provided, single submitter. Criteria: ACMG Guidelines, 2015. Collection method: clinical testing. Allele origin: germline. Affected: no.

Mayo Clinic Laboratories, Mayo Clinic
Classification: Benign. Last evaluated: 2019-12-16. Review status: criteria provided, single submitter. Criteria: ACMG Guidelines, 2015. Collection method: clinical testing. Allele origin: germline. Observed: 12 variant alleles.

Illumina Laboratory Services, Illumina
Classification: Benign for Finnish type amyloidosis. Last evaluated: 2018-01-13. Review status: criteria provided, single submitter. Criteria: ICSL Variant Classification Criteria 13 December 2019. Collection method: clinical testing. Allele origin: germline.
Comment: This variant was observed in the ICSL laboratory as part of a predisposition screen in an ostensibly healthy population. It had not been previously curated by ICSL or reported in the Human Gene Mutation Database (HGMD: prior to June 1st, 2018), and was therefore a candidate for classification through an automated scoring system. Utilizing variant allele frequency, disease prevalence and penetrance estimates, and inheritance mode, an automated score was calculated to assess if this variant is too frequent to cause the disease. Based on the score and internal cut-off values, a variant classified as benign is not then subjected to further curation. The score for this variant resulted in a classification of benign for this disease.

Breakthrough Genomics
Classification: Likely benign. Review status: criteria provided, single submitter. Criteria: ACMG Guidelines, 2015. Collection method: not provided. Allele origin: germline. Inheritance: Autosomal dominant inheritance. Affected: yes.

Clinical Genetics DNA and cytogenetics Diagnostics Lab, Erasmus MC, Erasmus Medical Center
Classification: Likely benign. Review status: no assertion criteria provided. Collection method: clinical testing. Allele origin: germline. Affected: yes. Study: VKGL Data-share Consensus. Not counted in ClinVar's aggregate classification.

Laboratory of Diagnostic Genome Analysis, Leiden University Medical Center (LUMC)
Classification: Likely benign. Review status: no assertion criteria provided. Collection method: clinical testing. Allele origin: germline. Affected: yes. Study: VKGL Data-share Consensus. Not counted in ClinVar's aggregate classification.